The following is an entry in ClinVar:

ClinVar aggregate classification (germline): Uncertain significance (1 of 4 stars; one submission).

Allele frequency attached by ClinVar (database versions not stated): TOPMed below 0.00001.
gnomAD v4.1: 1 of 1,603,038 alleles (0.000062%); no homozygotes.

Submission:

Labcorp Genetics (formerly Invitae), Labcorp
Classification: Uncertain significance. Last evaluated: 2022-10-04. Review status: criteria provided, single submitter. Criteria: Invitae Variant Classification Sherloc (09022015). Collection method: clinical testing. Allele origin: germline.
Comment: This variant has not been reported in the literature in individuals affected with ITPR1-related conditions. Advanced modeling of protein sequence and biophysical properties (such as structural, functional, and spatial information, amino acid conservation, physicochemical variation, residue mobility, and thermodynamic stability) performed at Invitae indicates that this missense variant is not expected to disrupt ITPR1 protein function. In summary, the available evidence is currently insufficient to determine the role of this variant in disease. Therefore, it has been classified as a Variant of Uncertain Significance. This sequence change replaces glutamic acid, which is acidic and polar, with lysine, which is basic and polar, at codon 1848 of the ITPR1 protein (p.Glu1848Lys). This variant is present in population databases (no rsID available, gnomAD 0.005%).

NM_001378452.1(ITPR1):c.5731G>A (p.Glu1911Lys)

Gene: ITPR1 (inositol 1,4,5-trisphosphate receptor type 1; plus strand). Cytogenetic location: 3p26.1.
Variant type: single nucleotide variant.
Coding change: c.5731G>A on transcript NM_001378452.1 (MANE Select); coding-DNA position 5731, G replaced by A.
Protein change: p.Glu1911Lys; replaces glutamic acid 1911 with lysine.
Molecular consequence: missense variant.
Genome position (GRCh38, 1-based): chr3:4,768,516, G>A. VCF-style: chr3-4768516-G-A. GRCh37 (hg19) VCF-style: chr3-4810200-G-A.
Other names: c.5587G>A, p.Glu1863Lys (NM_001099952.4); c.5686G>A, p.Glu1896Lys (NM_001168272.2); c.5542G>A, p.Glu1848Lys (NM_002222.7); short protein forms E1848K, E1863K, E1896K, E1911K.
Identifiers: ClinVar variation 2133148 (VCV002133148.4), dbSNP rs1228311035, ClinGen allele CA351634609.